The following is an entry in ClinVar:

ClinVar aggregate classification (germline): Uncertain significance (1 of 4 stars; one submission).

Submission:

Labcorp Genetics (formerly Invitae), Labcorp
Classification: Uncertain significance. Last evaluated: 2024-01-29. Review status: criteria provided, single submitter. Criteria: Invitae Variant Classification Sherloc (09022015). Collection method: clinical testing. Allele origin: germline.
Comment: This sequence change replaces glycine, which is neutral and non-polar, with serine, which is neutral and polar, at codon 304 of the NEXMIF protein (p.Gly304Ser). This variant is not present in population databases (gnomAD no frequency). This variant has not been reported in the literature in individuals affected with NEXMIF-related conditions. An algorithm developed to predict the effect of missense changes on protein structure and function (PolyPhen-2) suggests that this variant is likely to be disruptive. In summary, the available evidence is currently insufficient to determine the role of this variant in disease. Therefore, it has been classified as a Variant of Uncertain Significance.

NM_001008537.3(NEXMIF):c.910G>A (p.Gly304Ser)

Gene: NEXMIF (neurite extension and migration factor; minus strand). Cytogenetic location: Xq13.3.
Variant type: single nucleotide variant.
Coding change: c.910G>A on transcript NM_001008537.3 (MANE Select); coding-DNA position 910, G replaced by A.
Protein change: p.Gly304Ser; replaces glycine 304 with serine.
Molecular consequence: missense variant.
Genome position (GRCh38, 1-based): chrX:74,743,647, C>T on the plus strand (G>A on the coding strand, the complement: NEXMIF is on the minus strand). VCF-style: chrX-74743647-C-T. GRCh37 (hg19) VCF-style: chrX-73963482-C-T.
Other names: short protein forms G304S.
Identifiers: ClinVar variation 2873077 (VCV002873077.3), dbSNP rs2519916069, ClinGen allele CA413672089.